The following is an entry in ClinVar:

NM_001375808.2(LPIN2):c.2316C>T (p.Ser772=)

Gene: LPIN2 (lipin 2; minus strand). Cytogenetic location: 18p11.31.
Variant type: single nucleotide variant.
Coding change: c.2316C>T on transcript NM_001375808.2 (MANE Select); coding-DNA position 2316, C replaced by T.
Protein change: p.Ser772=; no amino-acid change (serine 772 retained).
Molecular consequence: synonymous variant.
Genome position (GRCh38, 1-based): chr18:2,922,058, G>A on the plus strand (C>T on the coding strand, the complement: LPIN2 is on the minus strand). VCF-style: chr18-2922058-G-A. GRCh37 (hg19) VCF-style: chr18-2922056-G-A.
Other names: p.S772S:TCC>TCT; p.Ser772=; c.2316C>T, p.Ser772= (NM_001375809.1, NM_014646.2).
Identifiers: ClinVar variation 138134 (VCV000138134.44), dbSNP rs145270447, ClinGen allele CA291958.
Genomic context (GRCh38, chr18:2,922,058, plus strand): 5'-CGCCCACATGCTGGGGCGGTGGGCAGAGGGCTGCCTGCCGGAGAGGTACCTGTGGAAGGC[G>A]GAGAACAAGCTGCTGGGGGACAGCATCAGGGGGCCCCGGGGCAAGATTGTGCCCTTGTCA-3'
Protein context (NP_001362737.1, residues 762-782): PLMLSPSSLF[Ser772=]AFHREVIEKK

ClinVar aggregate classification (germline): Benign/Likely benign. Review status: criteria provided, multiple submitters, no conflicts (2 of 4 stars). 10 submissions from 10 submitters: Benign (1); Likely benign (7). 2 of the submissions do not count toward it. Last evaluated 2025-11-04.

Conditions:
LPIN2-related disorder. Also called: LPIN2-related condition.
Majeed syndrome (MJDS). Also called: CHRONIC RECURRENT MULTIFOCAL OSTEOMYELITIS 1, WITH CONGENITAL DYSERYTHROPOIETIC ANEMIA, WITH OR WITHOUT NEUTROPHILIC DERMATOSIS; LPIN2-Related Majeed Syndrome. Identifiers: Orphanet 77297, MedGen C1864997, MONDO:0012316, OMIM 609628.

Allele frequency attached by ClinVar (database versions not stated): gnomAD 0.00003; TOPMed 0.00011; ESP Exome Variant Server 0.00015; 1000 Genomes Project 30x 0.00016; gnomAD exomes 0.00017; ExAC 0.00025.
gnomAD v4.1: 442 of 1,613,114 alleles (0.027%); highest among the groups gnomAD compares: South Asian, 0.064%; 1 homozygote.

Submissions (10):

Labcorp Genetics (formerly Invitae), Labcorp
Classification: Likely benign for Majeed syndrome. Last evaluated: 2025-11-04. Review status: criteria provided, single submitter. Criteria: Invitae Variant Classification Sherloc (09022015). Collection method: clinical testing. Allele origin: germline.

PreventionGenetics, part of Exact Sciences
Classification: Likely benign for LPIN2-related condition. Last evaluated: 2025-07-18. Review status: criteria provided, single submitter. Criteria: ACMG Guidelines, 2015. Collection method: clinical testing. Allele origin: germline.
Comment: This variant is classified as likely benign based on ACMG/AMP sequence variant interpretation guidelines (Richards et al. 2015 PMID: 25741868, with internal and published modifications).

Women's Health and Genetics/Laboratory Corporation of America, LabCorp
Classification: Likely benign. Last evaluated: 2025-01-27. Review status: criteria provided, single submitter. Criteria: LabCorp Variant Classification Summary - May 2015. Collection method: clinical testing. Allele origin: germline.

Mayo Clinic Laboratories, Mayo Clinic
Classification: Likely benign. Last evaluated: 2024-12-30. Review status: criteria provided, single submitter. Criteria: ACMG Guidelines, 2015. Collection method: clinical testing. Allele origin: germline. Observed: 1 variant allele.
Comment: BP4, BP7

Blueprint Genetics
Classification: Likely benign. Last evaluated: 2024-10-28. Review status: criteria provided, single submitter. Criteria: ACMG Guidelines, 2015. Collection method: clinical testing. Allele origin: germline.

ARUP Laboratories, Molecular Genetics and Genomics, ARUP Laboratories
Classification: Likely benign for Majeed syndrome. Last evaluated: 2023-08-23. Review status: criteria provided, single submitter. Criteria: ARUP Molecular Germline Variant Investigation Process 2024. Collection method: clinical testing. Allele origin: germline.

CeGaT Center for Human Genetics Tuebingen
Classification: Likely benign. Last evaluated: 2022-11-01. Review status: criteria provided, single submitter. Criteria: CeGaT Center For Human Genetics Tuebingen Variant Classification Criteria Version 2. Collection method: clinical testing. Allele origin: germline. Affected: yes. Observed: 1 variant allele.
Comment: LPIN2: BP4, BP7

GeneDx
Classification: Benign. Last evaluated: 2013-09-04. Review status: criteria provided, single submitter. Criteria: GeneDx Variant Classification (06012015). Collection method: clinical testing. Allele origin: germline. Affected: yes.
Comment: This variant is considered likely benign or benign based on one or more of the following criteria: it is a conservative change, it occurs at a poorly conserved position in the protein, it is predicted to be benign by multiple in silico algorithms, and/or has population frequency not consistent with disease.

Clinical Genetics DNA and cytogenetics Diagnostics Lab, Erasmus MC, Erasmus Medical Center
Classification: Likely benign. Review status: no assertion criteria provided. Collection method: clinical testing. Allele origin: germline. Affected: yes. Study: VKGL Data-share Consensus. Not counted in ClinVar's aggregate classification.

Genome Diagnostics Laboratory, University Medical Center Utrecht
Classification: Benign. Review status: no assertion criteria provided. Collection method: clinical testing. Allele origin: germline. Affected: yes. Study: VKGL Data-share Consensus. Not counted in ClinVar's aggregate classification.